The following is an entry in ClinVar:

NM_023110.3(FGFR1):c.242T>C (p.Ile81Thr)

Gene: FGFR1 (fibroblast growth factor receptor 1; minus strand). Cytogenetic location: 8p11.23.
Variant type: single nucleotide variant.
Coding change: c.242T>C on transcript NM_023110.3 (MANE Select); coding-DNA position 242, T replaced by C.
Protein change: p.Ile81Thr; replaces isoleucine 81 with threonine.
Molecular consequence: missense variant. On other transcripts: intron variant (5).
Genome position (GRCh38, 1-based): chr8:38,429,798, A>G on the plus strand (T>C on the coding strand, the complement: FGFR1 is on the minus strand). VCF-style: chr8-38429798-A-G. GRCh37 (hg19) VCF-style: chr8-38287316-A-G.
Other names: c.242T>C, p.Ile81Thr (NM_001174063.2, NM_001174065.2, NM_001354367.2 and 3 more transcripts); c.218T>C, p.Ile73Thr (NM_001174064.2); c.341T>C, p.Ile114Thr (NM_001174067.2); c.92-1363T>C (NM_001354368.2, NM_001354370.2, NM_023106.3 and 2 more transcripts); short protein forms I114T, I73T, I81T.
Identifiers: ClinVar variation 3757650 (VCV003757650.2).
Genomic context (GRCh38, chr8:38,429,798, plus strand): 5'-CAAGCATAGAGGCCGGAGTCTGCGGGCACGGAGTCCTGCACCTCCACCTCCTCCCCTGTG[A>G]TGCGGGTGCGGTTGCTTTCCGCCAGCTGCACCCCGTCCCGCAGCCAGTTGATGCTCTGCA-3'
Protein context (NP_075598.2, residues 71-91): VQLAESNRTR[Ile81Thr]TGEEVEVQDS

ClinVar aggregate classification (germline): Uncertain significance (1 of 4 stars; one submission).

Conditions:
Hypogonadotropic hypogonadism 2 with or without anosmia (HH2). Also called: HYPOGONADOTROPIC HYPOGONADISM 2 WITH OR WITHOUT ANOSMIA, SUSCEPTIBILITY TO; HYPOGONADOTROPIC HYPOGONADISM 2 WITHOUT ANOSMIA, SUSCEPTIBILITY TO; FGFR1-Related GnRH Deficiency (Kallmann Syndrome 2); HYPOGONADOTROPIC HYPOGONADISM 2 WITHOUT ANOSMIA. Identifiers: Orphanet 478, MedGen C1563720, MONDO:0007844, OMIM 147950. Disease mechanism: loss of function.
Pfeiffer syndrome (ACS5). Also called: ACS V. Identifiers: Orphanet 710, MedGen C0220658, MONDO:0007043, OMIM 101600.

Submission:

Labcorp Genetics (formerly Invitae), Labcorp
Classification: Uncertain significance for Pfeiffer syndrome; Hypogonadotropic hypogonadism 2 with or without anosmia. Last evaluated: 2024-08-12. Review status: criteria provided, single submitter. Criteria: Invitae Variant Classification Sherloc (09022015). Collection method: clinical testing. Allele origin: germline.
Comment: This sequence change replaces isoleucine, which is neutral and non-polar, with threonine, which is neutral and polar, at codon 81 of the FGFR1 protein (p.Ile81Thr). This variant is not present in population databases (gnomAD no frequency). This missense change has been observed in individual(s) with clinical features of Kallmann syndrome (PMID: 35457241). Invitae Evidence Modeling of protein sequence and biophysical properties (such as structural, functional, and spatial information, amino acid conservation, physicochemical variation, residue mobility, and thermodynamic stability) has been performed for this missense variant. However, the output from this modeling did not meet the statistical confidence thresholds required to predict the impact of this variant on FGFR1 protein function. In summary, the available evidence is currently insufficient to determine the role of this variant in disease. Therefore, it has been classified as a Variant of Uncertain Significance.

Literature cited by the submitters: PubMed 35457241.